The following is an entry in ClinVar:

ClinVar aggregate classification (germline): Uncertain significance (0 of 4 stars; one submission).

Conditions:
Prostate cancer. Also called: Malignant tumor of prostate. Identifiers: Orphanet 1331, MedGen C0376358, MONDO:0008315, HP:0012125.

Submission:

Science for Life laboratory,  Karolinska Institutet
Classification: Uncertain significance for Malignant tumor of prostate. Review status: no assertion criteria provided. Collection method: not provided. Allele origin: somatic.
Comment: TumorID:SWE-19
ClinVar note: Converted during submission from Unknown to Uncertain significance.

NM_152453.4(TMCO5A):c.645G>C (p.Lys215Asn)

Gene: TMCO5A (transmembrane and coiled-coil domains 5A; plus strand). Cytogenetic location: 15q14.
Variant type: single nucleotide variant.
Coding change: c.645G>C on transcript NM_152453.4 (MANE Select); coding-DNA position 645, G replaced by C.
Protein change: p.Lys215Asn; replaces lysine 215 with asparagine.
Molecular consequence: missense variant. On other transcripts: non-coding transcript variant (2).
Genome position (GRCh38, 1-based): chr15:37,947,673, G>C. VCF-style: chr15-37947673-G-C. GRCh37 (hg19) VCF-style: chr15-38239874-G-C.
Other names: c.645G>C, p.Lys215Asn (NM_001330255.2, NM_001370735.1, NM_001370737.1); c.687G>C, p.Lys229Asn (NM_001370736.1); short protein forms K215N, K229N.
Identifiers: ClinVar variation 161814 (VCV000161814.2), dbSNP rs193920912, ClinGen allele CA174836.